The following is an entry in ClinVar:

NM_012431.3(SEMA3E):c.929-10A>G

Gene: SEMA3E (semaphorin 3E; minus strand). Cytogenetic location: 7q21.11.
Variant type: single nucleotide variant.
Coding change: c.929-10A>G on transcript NM_012431.3 (MANE Select); 10 bases into the intron before coding-DNA position 929, A replaced by G.
Molecular consequence: intron variant.
Genome position (GRCh38, 1-based): chr7:83,405,529, T>C on the plus strand (A>G on the coding strand, the complement: SEMA3E is on the minus strand). VCF-style: chr7-83405529-T-C. GRCh37 (hg19) VCF-style: chr7-83034845-T-C.
Other names: c.749-10A>G (NM_001178129.2).
Identifiers: ClinVar variation 698993 (VCV000698993.10), dbSNP rs1032615953, ClinGen allele CA161170108.
Genomic context (GRCh38, chr7:83,405,529, plus strand): 5'-CAAATATCACTGGATTCTTATGATCTCTGGTAGGTAGCAAAAAAACGTCCTCTGAAAAAT[T>C]AAAGGCCATTCCATCGCTTAGTATTTTTAGCTCTCTTTGCATGCAAAGAAAATTTATTCA-3'

ClinVar aggregate classification (germline): Likely benign. Review status: criteria provided, multiple submitters, no conflicts (2 of 4 stars). 2 submissions from 2 submitters: Likely benign (2). Last evaluated 2026-05-31.

Conditions:
SEMA3E-related disorder. Also called: SEMA3E-related condition.
CHARGE syndrome (CHARGE). Also called: Hittner Hirsch Kreh syndrome; CHARGE ASSOCIATION--COLOBOMA, HEART ANOMALY, CHOANAL ATRESIA, RETARDATION, GENITAL AND EAR ANOMALIES; Coloboma, heart anomaly, choanal atresia, retardation, genital and ear anomalies; CHARGE association; Hall-Hittner syndrome. Identifiers: Orphanet 138, MedGen C0265354, MONDO:0008965.

Allele frequency attached by ClinVar (database versions not stated): gnomAD 0.00001 and 0.00002; gnomAD exomes 0.00001; TOPMed 0.00001.
gnomAD v4.1: 9 of 1,611,110 alleles (0.00056%); highest among the groups gnomAD compares: African/African-American, 0.0027%; no homozygotes.

Submissions (2):

PreventionGenetics, part of Exact Sciences
Classification: Likely benign for SEMA3E-related condition. Last evaluated: 2026-05-31. Review status: criteria provided, single submitter. Criteria: ACMG Guidelines, 2015. Collection method: clinical testing. Allele origin: germline.
Comment: This variant is classified as likely benign based on ACMG/AMP sequence variant interpretation guidelines (Richards et al. 2015 PMID: 25741868, with internal and published modifications).

Labcorp Genetics (formerly Invitae), Labcorp
Classification: Likely benign for CHARGE syndrome. Last evaluated: 2023-02-24. Review status: criteria provided, single submitter. Criteria: Invitae Variant Classification Sherloc (09022015). Collection method: clinical testing. Allele origin: germline.